The following is an entry in ClinVar:

ClinVar aggregate classification (germline): Conflicting classifications of pathogenicity. Review status: criteria provided, conflicting classifications (1 of 4 stars). 4 submissions from 4 submitters: Uncertain significance (3); Benign (1). Last evaluated 2026-05-09.

Conditions:
Primary ciliary dyskinesia. Also called: Ciliary dyskinesia. Identifiers: Orphanet 244, MedGen C0008780, MONDO:0016575, HP:0012265.
DNAH11-related disorder. Also called: DNAH11-related condition.

Allele frequency attached by ClinVar (database versions not stated): 1000 Genomes Project 0.00020; TOPMed 0.00020; gnomAD 0.00021; 1000 Genomes Project 30x 0.00031; gnomAD exomes 0.00003; ExAC 0.00008; ESP Exome Variant Server 0.00016.
gnomAD v4.1: 76 of 1,611,434 alleles (0.0047%); highest among the groups gnomAD compares: African/African-American, 0.071%; no homozygotes.

Submissions (4):

PreventionGenetics, part of Exact Sciences
Classification: Uncertain significance for DNAH11-related condition. Last evaluated: 2026-05-09. Review status: criteria provided, single submitter. Criteria: ACMG Guidelines, 2015. Collection method: clinical testing. Allele origin: germline.
Comment: The DNAH11 c.10372A>G variant is predicted to result in the amino acid substitution p.Met3458Val. To our knowledge, this variant has not been reported in the literature. This variant is reported in 0.076% of alleles in individuals of African descent in gnomAD. At this time, the clinical significance of this variant is uncertain due to the absence of conclusive functional and genetic evidence.

Labcorp Genetics (formerly Invitae), Labcorp
Classification: Benign for Primary ciliary dyskinesia. Last evaluated: 2026-01-27. Review status: criteria provided, single submitter. Criteria: Invitae Variant Classification Sherloc (09022015). Collection method: clinical testing. Allele origin: germline.

GeneDx
Classification: Uncertain significance. Last evaluated: 2024-12-17. Review status: criteria provided, single submitter. Criteria: GeneDx Variant Classification Process June 2021. Collection method: clinical testing. Allele origin: germline. Affected: yes.
Comment: In silico analysis supports that this missense variant has a deleterious effect on protein structure/function; Has not been previously published as pathogenic or benign to our knowledge

Ambry Genetics
Classification: Uncertain significance for Primary ciliary dyskinesia. Last evaluated: 2023-10-23. Review status: criteria provided, single submitter. Criteria: Ambry Variant Classification Scheme 2023. Collection method: clinical testing. Allele origin: germline.
Comment: The p.M3458V variant (also known as c.10372A>G), located in coding exon 64 of the DNAH11 gene, results from an A to G substitution at nucleotide position 10372. The methionine at codon 3458 is replaced by valine, an amino acid with highly similar properties. This amino acid position is conserved. In addition, this alteration is predicted to be tolerated by in silico analysis. Since supporting evidence is limited at this time, the clinical significance of this alteration remains unclear.

NM_001277115.2(DNAH11):c.10372A>G (p.Met3458Val)

Gene: DNAH11 (dynein axonemal heavy chain 11; plus strand). Cytogenetic location: 7p15.3.
Variant type: single nucleotide variant.
Coding change: c.10372A>G on transcript NM_001277115.2 (MANE Select); coding-DNA position 10372, A replaced by G.
Protein change: p.Met3458Val; replaces methionine 3458 with valine.
Molecular consequence: missense variant.
Genome position (GRCh38, 1-based): chr7:21,816,506, A>G. VCF-style: chr7-21816506-A-G. GRCh37 (hg19) VCF-style: chr7-21856124-A-G.
Other names: c.10393A>G, p.Met3465Val (NM_003777.3); short protein forms M3465V, M3458V.
Identifiers: ClinVar variation 2072866 (VCV002072866.7), dbSNP rs200758776, ClinGen allele CA4182346.
Genomic context (GRCh38, chr7:21,816,506, plus strand): 5'-CATTCAACTCTGATTTTAAAGGTTTCCATTCCACTAACCGAAGGCCTGGACTTGATATCC[A>G]TGTTGACGGATGATGCTACAATTGCCGCCTGGAATAACGAAGGACTGCCCAGTGACAGAA-3'
Protein context (NP_001264044.1, residues 3448-3468): PLTEGLDLIS[Met3458Val]LTDDATIAAW